The following is an entry in ClinVar:

ClinVar aggregate classification (germline): Likely pathogenic (1 of 4 stars; one submission).

Conditions:
Aortic aneurysm, familial thoracic 7 (AAT7). Also called: AORTIC DISSECTION, FAMILIAL, WITH OR WITHOUT AORTIC ANEURYSM. Identifiers: MedGen C3151077, MONDO:0013418, OMIM 613780.

Submission:

Labcorp Genetics (formerly Invitae), Labcorp
Classification: Likely pathogenic for Aortic aneurysm, familial thoracic 7. Last evaluated: 2026-01-07. Review status: criteria provided, single submitter. Criteria: Invitae Variant Classification Sherloc (09022015). Collection method: clinical testing. Allele origin: germline.
Comment: This variant results in the deletion of part of exon 31 (c.5115-1_5115del) of the MYLK gene. This variant occurs within the aortic-specific isoform of MYLK. Loss-of-function variants in the aortic-specific isoform of MYLK are known to be pathogenic for thoracic aortic dissections (PMID: 21055718). This variant is not present in population databases (gnomAD no frequency). This variant has not been reported in the literature in individuals affected with MYLK-related conditions. Algorithms developed to predict the effect of sequence changes on RNA splicing suggest that this variant may disrupt the consensus splice site. In summary, the currently available evidence indicates that the variant is pathogenic, but additional data are needed to prove that conclusively. Therefore, this variant has been classified as Likely Pathogenic.

Literature cited by the submitters: PubMed 21055718.

NM_053025.4(MYLK):c.5115-1_5115del

Genes: MYLK (myosin light chain kinase; minus strand), MYLK-AS1 (MYLK antisense RNA 1; plus strand). Cytogenetic location: 3q21.1.
Variant type: Deletion.
Coding change: c.5115-1_5115del on transcript NM_053025.4 (MANE Select); the canonical splice acceptor site of the intron before coding-DNA position 5115 through coding-DNA position 5115, 2 bases deleted (GA; older notation c.5115-1_5115delGA).
Molecular consequence: splice acceptor variant.
Genome position (GRCh38, 1-based): chr3:123,626,941-123,626,942, TC deleted on the plus strand (GA on the coding strand, the reverse complement: MYLK is on the minus strand); deleting any 2 consecutive bases within chr3:123,626,941-123,626,943 gives the same sequence; the c. name uses the placement nearest the transcript's 3' end. VCF-style (leftmost placement, unchanged base first): chr3-123626940-TTC-T. GRCh37 (hg19) VCF-style: chr3-123345787-TTC-T.
Other names: c.4587-1_4587del (NM_001321309.2); c.4755-1_4755del (NM_053028.4); c.4908-1_4908del (NM_053026.4); c.4962-1_4962del (NM_053027.4).
Identifiers: ClinVar variation 4734546 (VCV004734546.1).